The following is an entry in ClinVar:

NM_001101421.4(MYO1H):c.1921C>T (p.Arg641Ter)

Gene: MYO1H (myosin IH; plus strand). Cytogenetic location: 12q24.11.
Variant type: single nucleotide variant.
Coding change: c.1921C>T on transcript NM_001101421.4 (MANE Select); coding-DNA position 1921, C replaced by T.
Protein change: p.Arg641Ter; replaces arginine 641 with a stop codon.
Molecular consequence: nonsense.
Genome position (GRCh38, 1-based): chr12:109,427,558, C>T. VCF-style: chr12-109427558-C-T. GRCh37 (hg19) VCF-style: chr12-109865363-C-T.
Other names: short protein forms R641*.
Identifiers: ClinVar variation 5002872 (VCV005002872.1).
Genomic context (GRCh38, chr12:109,427,558, plus strand): 5'-CAGATCAAATACCTGGGGCTGATGGAGCACCTGCGGGTGAGACGGGCTGGTTTTGCATAC[C>T]GAAGGAAATACGAGCATTTCTTGCAAAGGTAAAATGTGCTTTATTGATCTGAAGCCAATA-3'

ClinVar aggregate classification (germline): Uncertain significance (1 of 4 stars; one submission).

Conditions:
Central hypoventilation syndrome, congenital, 2, and autonomic dysfunction. Identifiers: MedGen C5561963, MONDO:0030537, OMIM 619482.

gnomAD v4.1: 25 of 1,612,028 alleles (0.0016%); highest among the groups gnomAD compares: South Asian, 0.0088%; no homozygotes.

Submission:

OLLIN Analises Genomicas, OLLIN
Classification: Uncertain significance for Central hypoventilation syndrome, congenital, 2, and autonomic dysfunction. Last evaluated: 2026-08-06. Review status: criteria provided, single submitter. Criteria: ACMG Guidelines 2015 PMID 25741868. Collection method: clinical testing. Allele origin: germline.
Comment: This nonsense variant, located in exon 19 (of 32), has been observed in gnomAD with an allele frequency of 0.0016%, but has not been reported in ClinVar or identified in the literature. This variant introduces a premature stop codon, which is predicted to result in either a truncated protein or degradation of the mRNA via nonsense-mediated decay (NMD). According to the currently available evidence, this variant has been classified as uncertain significance (PM2_P).